The following is an entry in ClinVar:

ClinVar aggregate classification (germline): Uncertain significance (1 of 4 stars; one submission).

Submission:

Labcorp Genetics (formerly Invitae), Labcorp
Classification: Uncertain significance. Last evaluated: 2021-12-03. Review status: criteria provided, single submitter. Criteria: Invitae Variant Classification Sherloc (09022015). Collection method: clinical testing. Allele origin: germline.
Comment: A gross deletion of the genomic region encompassing the full coding sequence of the YWHAE gene has been identified. The current clinical and genetic evidence is not sufficient to establish whether loss-of-function variants in YWHAE cause disease. The boundaries of this event are unknown as they extend beyond the assayed region for this gene and therefore may encompass additional genes. Isolated whole-gene deletions of YWHAE have not been reported in the literature. However, larger copy number events that include this gene have been reported (PMID: 19635726, 22887762, 28284480, 33131168). In summary, the available evidence is currently insufficient to determine the role of this variant in disease. Therefore, it has been classified as a Variant of Uncertain Significance.

Literature cited by the submitters: PubMed 19635726; PubMed 22887762; PubMed 28284480; PubMed 33131168.

NC_000017.10:g.(?_422368)_(1680740_?)del

Genes: MYO1C (myosin IC; minus strand), RILP (Rab interacting lysosomal protein; minus strand), SCARF1 (scavenger receptor class F member 1; minus strand), TLCD3A (TLC domain containing 3A; plus strand), TRARG1 (trafficking regulator of GLUT4 (SLC2A4) 1 (gene/pseudogene); plus strand) and 19 more. Cytogenetic location: 17p13.3.
Variant type: Deletion.
Identifiers: ClinVar variation 2425641 (VCV002425641.4).